The following is an entry in ClinVar:

NM_014244.5(ADAMTS2):c.140-7G>A

Gene: ADAMTS2 (ADAM metallopeptidase with thrombospondin type 1 motif 2; minus strand). Cytogenetic location: 5q35.3.
Variant type: single nucleotide variant.
Coding change: c.140-7G>A on transcript NM_014244.5 (MANE Select); 7 bases into the intron before coding-DNA position 140, G replaced by A.
Molecular consequence: intron variant.
Genome position (GRCh38, 1-based): chr5:179,344,168, C>T on the plus strand (G>A on the coding strand, the complement: ADAMTS2 is on the minus strand). VCF-style: chr5-179344168-C-T. GRCh37 (hg19) VCF-style: chr5-178771169-C-T.
Other names: c.140-7G>A (NM_021599.4).
Identifiers: ClinVar variation 513892 (VCV000513892.9), dbSNP rs759954552, ClinGen allele CA565358449.

ClinVar aggregate classification (germline): Likely benign. Review status: criteria provided, multiple submitters, no conflicts (2 of 4 stars). 2 submissions from 2 submitters: Likely benign (2). Last evaluated 2023-02-08.

Conditions:
Ehlers-Danlos syndrome, dermatosparaxis type. Also called: Dermatosparaxis; EDS VIIC; Ehlers-Danlos syndrome, type VII, autosomal recessive. Identifiers: Orphanet 1901, MedGen C2700425, MONDO:0009161, OMIM 225410.

gnomAD v4.1: 1 of 1,591,934 alleles (0.000063%); no homozygotes.

Submissions (2):

Labcorp Genetics (formerly Invitae), Labcorp
Classification: Likely benign for Ehlers-Danlos syndrome, dermatosparaxis type. Last evaluated: 2023-02-08. Review status: criteria provided, single submitter. Criteria: Invitae Variant Classification Sherloc (09022015). Collection method: clinical testing. Allele origin: germline.

GeneDx
Classification: Likely benign. Last evaluated: 2017-12-06. Review status: criteria provided, single submitter. Criteria: GeneDx Variant Classification (06012015). Collection method: clinical testing. Allele origin: germline. Affected: yes.
Comment: This variant is considered likely benign or benign based on one or more of the following criteria: it is a conservative change, it occurs at a poorly conserved position in the protein, it is predicted to be benign by multiple in silico algorithms, and/or has population frequency not consistent with disease.